The following is an entry in ClinVar:

NM_015404.4(WHRN):c.331_334dup (p.Glu112fs)

Gene: WHRN (whirlin; minus strand). Cytogenetic location: 9q32.
Variant type: Duplication.
Coding change: c.331_334dup on transcript NM_015404.4 (MANE Select); coding-DNA positions 331 to 334, 4 bases duplicated (GCCG; older notation c.331_334dupGCCG).
Protein change: p.Glu112fs; shifts the reading frame from glutamic acid 112.
Molecular consequence: frameshift variant.
Genome position (GRCh38, 1-based): chr9:114,504,468-114,504,471, CGGC duplicated on the plus strand (GCCG on the coding strand, the reverse complement: WHRN is on the minus strand); duplicating any 4 consecutive bases within chr9:114,504,468-114,504,473 gives the same sequence; the c. name uses the placement nearest the transcript's 3' end. VCF-style (leftmost placement, unchanged base first): chr9-114504467-T-TCGGC. GRCh37 (hg19) VCF-style: chr9-117266747-T-TCGGC.
Other names: c.331_334dup, p.Glu112fs (NM_001173425.2); short protein forms E112fs.
Identifiers: ClinVar variation 4724152 (VCV004724152.1).

ClinVar aggregate classification (germline): Pathogenic (1 of 4 stars; one submission).

Submission:

Labcorp Genetics (formerly Invitae), Labcorp
Classification: Pathogenic. Last evaluated: 2025-09-25. Review status: criteria provided, single submitter. Criteria: Invitae Variant Classification Sherloc (09022015). Collection method: clinical testing. Allele origin: germline.
Comment: This sequence change creates a premature translational stop signal (p.Glu112Glyfs*68) in the WHRN gene. It is expected to result in an absent or disrupted protein product. Loss-of-function variants in WHRN are known to be pathogenic (PMID: 12833159, 15841483, 22147658). This variant is not present in population databases (gnomAD no frequency). This variant has not been reported in the literature in individuals affected with WHRN-related conditions. For these reasons, this variant has been classified as Pathogenic.

Literature cited by the submitters: PubMed 12833159; PubMed 15841483; PubMed 22147658.